The following is an entry in ClinVar:

ClinVar aggregate classification (germline): Uncertain significance (1 of 4 stars; one submission).

Conditions:
Pigmentary pallidal degeneration (NBIA1). Also called: Neurodegeneration with brain iron accumulation 1; HARP SYNDROME; PKAN NEUROAXONAL DYSTROPHY, JUVENILE-ONSET; Pantothenate Kinase-Associated Neurodegeneration; Neuroaxonal dystrophy, late infantile; Hallervorden-Spatz disease. Identifiers: Orphanet 157850, MedGen C0018523, MONDO:0009319, OMIM 234200.

Allele frequency attached by ClinVar (database versions not stated): gnomAD exomes 0.00001; TOPMed below 0.00001; gnomAD 0.00001.
gnomAD v4.1: 9 of 1,612,770 alleles (0.00056%); highest among the groups gnomAD compares: Non-Finnish European, 0.00076%; no homozygotes.

Submission:

Labcorp Genetics (formerly Invitae), Labcorp
Classification: Uncertain significance for Pigmentary pallidal degeneration. Last evaluated: 2022-03-01. Review status: criteria provided, single submitter. Criteria: Invitae Variant Classification Sherloc (09022015). Collection method: clinical testing. Allele origin: germline.
Comment: This sequence change replaces leucine, which is neutral and non-polar, with phenylalanine, which is neutral and non-polar, at codon 40 of the PANK2 protein (p.Leu40Phe). This variant is not present in population databases (gnomAD no frequency). This variant has not been reported in the literature in individuals affected with PANK2-related conditions. Algorithms developed to predict the effect of missense changes on protein structure and function output the following: SIFT: "Deleterious"; PolyPhen-2: "Benign"; Align-GVGD: "Class C0". The phenylalanine amino acid residue is found in multiple mammalian species, which suggests that this missense change does not adversely affect protein function. In summary, the available evidence is currently insufficient to determine the role of this variant in disease. Therefore, it has been classified as a Variant of Uncertain Significance.

NM_153638.4(PANK2):c.118C>T (p.Leu40Phe)

Gene: PANK2 (pantothenate kinase 2; plus strand). Cytogenetic location: 20p13.
Variant type: single nucleotide variant.
Coding change: c.118C>T on transcript NM_153638.4; coding-DNA position 118, C replaced by T.
Protein change: p.Leu40Phe; replaces leucine 40 with phenylalanine.
Molecular consequence: missense variant. On other transcripts: intron variant (1).
Genome position (GRCh38, 1-based): chr20:3,889,218, C>T. VCF-style: chr20-3889218-C-T. GRCh37 (hg19) VCF-style: chr20-3869865-C-T.
Other names: c.118C>T, p.Leu40Phe (NM_001324192.1); c.-246+314C>T (NM_024960.6); short protein forms L40F.
Identifiers: ClinVar variation 2156523 (VCV002156523.1), dbSNP rs1318176606, ClinGen allele CA408138944.